The following is an entry in ClinVar:

ClinVar aggregate classification (germline): Uncertain significance. Review status: criteria provided, multiple submitters, no conflicts (2 of 4 stars). 3 submissions from 3 submitters: Uncertain significance (3). Last evaluated 2025-07-22.

Conditions:
Epidermolysis bullosa simplex 3, localized or generalized intermediate, with BP230 deficiency (EBS3). Also called: Epidermolysis bullosa simplex, autosomal recessive 2; Epidermolysis bullosa simplex due to BP230 deficiency. Identifiers: Orphanet 412181, MedGen C3809470, MONDO:0014180, OMIM 615425.
Hereditary sensory and autonomic neuropathy type 6. Also called: Neuropathy, hereditary sensory and autonomic, type VI; HSAN VI. Identifiers: Orphanet 314381, MedGen C3539003, MONDO:0013839, OMIM 614653.
Inborn genetic diseases. Identifiers: MedGen C0950123, MeSH D030342.

Allele frequency attached by ClinVar (database versions not stated): ExAC 0.00004; gnomAD 0.00008; TOPMed 0.00008; 1000 Genomes Project 30x 0.00016; ESP Exome Variant Server 0.00017.
gnomAD v4.1: 186 of 1,613,932 alleles (0.012%); highest among the groups gnomAD compares: Non-Finnish European, 0.014%; no homozygotes.

Submissions (3):

Labcorp Genetics (formerly Invitae), Labcorp
Classification: Uncertain significance for Epidermolysis bullosa simplex 3, localized or generalized intermediate, with BP230 deficiency; Hereditary sensory and autonomic neuropathy type 6. Last evaluated: 2025-07-22. Review status: criteria provided, single submitter. Criteria: Invitae Variant Classification Sherloc (09022015). Collection method: clinical testing. Allele origin: germline.
Comment: The DST gene has multiple clinically relevant transcripts. This variant occurs in alternate transcript NM_015548.4, and corresponds to NM_001723.5:c.*62627C>T in the primary transcript. This sequence change replaces serine, which is neutral and polar, with leucine, which is neutral and non-polar, at codon 2678 of the DST protein (p.Ser2678Leu). This variant is present in population databases (rs112177059, gnomAD 0.01%). This variant has not been reported in the literature in individuals affected with DST-related conditions. Experimental studies and prediction algorithms are not available or were not evaluated, and the functional significance of this variant is currently unknown. In summary, the available evidence is currently insufficient to determine the role of this variant in disease. Therefore, it has been classified as a Variant of Uncertain Significance.

Ambry Genetics
Classification: Uncertain significance for Inborn genetic diseases. Last evaluated: 2021-03-18. Review status: criteria provided, single submitter. Criteria: Ambry Variant Classification Scheme 2023. Collection method: clinical testing. Allele origin: germline.
Comment: The p.S3182L variant (also known as c.9545C>T), located in coding exon 55 of the DST gene, results from a C to T substitution at nucleotide position 9545. The serine at codon 3182 is replaced by leucine, an amino acid with dissimilar properties. This amino acid position is well conserved in available vertebrate species. In addition, the in silico prediction for this alteration is inconclusive. Since supporting evidence is limited at this time, the clinical significance of this alteration remains unclear.

CeGaT Center for Human Genetics Tuebingen
Classification: Uncertain significance. Last evaluated: 2016-10-01. Review status: criteria provided, single submitter. Criteria: CeGaT Center For Human Genetics Tuebingen Variant Classification Criteria Version 2. Collection method: clinical testing. Allele origin: germline. Affected: yes. Observed: 1 variant allele.

NM_001374736.1(DST):c.15902C>T (p.Ser5301Leu)

Gene: DST (dystonin; minus strand). Cytogenetic location: 6p12.1.
Variant type: single nucleotide variant.
Coding change: c.15902C>T on transcript NM_001374736.1 (MANE Select); coding-DNA position 15902, C replaced by T.
Protein change: p.Ser5301Leu; replaces serine 5301 with leucine.
Molecular consequence: missense variant.
Genome position (GRCh38, 1-based): chr6:56,552,890, G>A on the plus strand (C>T on the coding strand, the complement: DST is on the minus strand). VCF-style: chr6-56552890-G-A. GRCh37 (hg19) VCF-style: chr6-56417688-G-A.
Other names: c.9545C>T, p.Ser3182Leu (NM_001144769.5); c.9131C>T, p.Ser3044Leu (NM_001144770.2); c.15902C>T, p.Ser5301Leu (NM_001374722.1); c.15269C>T, p.Ser5090Leu (NM_001374729.1); c.9011C>T, p.Ser3004Leu (NM_001374730.1, NM_001386100.1, NM_183380.4); c.15929C>T, p.Ser5310Leu (NM_001374734.1); c.8033C>T, p.Ser2678Leu (NM_015548.5); short protein forms S2678L, S3182L, S3004L, S3044L, S5090L, S5301L, S5310L.
Identifiers: ClinVar variation 425381 (VCV000425381.50), dbSNP rs112177059, ClinGen allele CA3867760.